The following is an entry in ClinVar:

NM_025114.4(CEP290):c.3838_3840dup (p.Leu1280_Ala1281insLeu)

Gene: CEP290 (centrosomal protein 290; minus strand). Cytogenetic location: 12q21.32.
Variant type: Duplication.
Coding change: c.3838_3840dup on transcript NM_025114.4 (MANE Select); coding-DNA positions 3838 to 3840, 3 bases duplicated (TTG; older notation c.3838_3840dupTTG).
Protein change: p.Leu1280_Ala1281insLeu.
Molecular consequence: inframe insertion.
Genome position (GRCh38, 1-based): chr12:88,089,221-88,089,223, CAA duplicated on the plus strand (TTG on the coding strand, the reverse complement: CEP290 is on the minus strand). VCF-style (leftmost placement, unchanged base first): chr12-88089220-C-CCAA. GRCh37 (hg19) VCF-style: chr12-88482997-C-CCAA.
Identifiers: ClinVar variation 2118880 (VCV002118880.4), dbSNP rs2500105472, ClinGen allele CA2580086825.

ClinVar aggregate classification (germline): Uncertain significance (1 of 4 stars; one submission).

Conditions:
Joubert syndrome. Also called: CEREBELLOPARENCHYMAL DISORDER IV; JOUBERT-BOLTSHAUSER SYNDROME; Familial aplasia of the vermis. Identifiers: Orphanet 475, MedGen C5979921, MONDO:0018772.
Nephronophthisis. Also called: Juvenile Nephronophthisis. Identifiers: Orphanet 655, MedGen C0687120, MONDO:0019005, HP:0000090.
Meckel-Gruber syndrome. Also called: DYSENCEPHALIA SPLANCHNOCYSTICA; GRUBER SYNDROME; Dysencephalia splachnocystica. Identifiers: Orphanet 564, MedGen C0265215, MONDO:0018921.

Submission:

Labcorp Genetics (formerly Invitae), Labcorp
Classification: Uncertain significance for Joubert syndrome; Meckel-Gruber syndrome; Nephronophthisis. Last evaluated: 2022-03-28. Review status: criteria provided, single submitter. Criteria: Invitae Variant Classification Sherloc (09022015). Collection method: clinical testing. Allele origin: germline.
Comment: In summary, the available evidence is currently insufficient to determine the role of this variant in disease. Therefore, it has been classified as a Variant of Uncertain Significance. This variant has not been reported in the literature in individuals affected with CEP290-related conditions. This variant is not present in population databases (gnomAD no frequency). This variant, c.3838_3840dup, results in the insertion of 1 amino acid(s) of the CEP290 protein (p.Leu1280dup), but otherwise preserves the integrity of the reading frame.